The following is an entry in ClinVar:

ClinVar aggregate classification (germline): Uncertain significance (1 of 4 stars; one submission).

Submission:

GeneDx
Classification: Uncertain significance. Last evaluated: 2022-05-12. Review status: criteria provided, single submitter. Criteria: GeneDx Variant Classification Process June 2021. Collection method: clinical testing. Allele origin: germline. Affected: yes.
Comment: In silico analysis supports a deleterious effect on splicing; Not observed at significant frequency in large population cohorts (gnomAD); Has not been previously published as pathogenic or benign to our knowledge

NM_001291867.2(NHS):c.1071A>G (p.Gln357=)

Gene: NHS (NHS actin remodeling regulator; plus strand). Cytogenetic location: Xp22.13.
Variant type: single nucleotide variant.
Coding change: c.1071A>G on transcript NM_001291867.2 (MANE Select); coding-DNA position 1071, A replaced by G.
Protein change: p.Gln357=; no amino-acid change (glutamine 357 retained).
Molecular consequence: synonymous variant.
Genome position (GRCh38, 1-based): chrX:17,721,596, A>G. VCF-style: chrX-17721596-A-G. GRCh37 (hg19) VCF-style: chrX-17739716-A-G.
Other names: c.540A>G, p.Gln180= (NM_001136024.4); c.477A>G, p.Gln159= (NM_001291868.2); c.1008A>G, p.Gln336= (NM_198270.4).
Identifiers: ClinVar variation 1723568 (VCV001723568.2), dbSNP rs2519927440, ClinGen allele CA515466566.